The following is an entry in ClinVar:

ClinVar aggregate classification (germline): Uncertain significance (1 of 4 stars; one submission).

Submission:

Labcorp Genetics (formerly Invitae), Labcorp
Classification: Uncertain significance. Last evaluated: 2025-06-02. Review status: criteria provided, single submitter. Criteria: Invitae Variant Classification Sherloc (09022015). Collection method: clinical testing. Allele origin: germline.
Comment: This sequence change replaces lysine, which is basic and polar, with glutamic acid, which is acidic and polar, at codon 3670 of the PCLO protein (p.Lys3670Glu). This variant is not present in population databases (gnomAD no frequency). This variant has not been reported in the literature in individuals affected with PCLO-related conditions. ClinVar contains an entry for this variant (Variation ID: 2843945). Experimental studies and prediction algorithms are not available or were not evaluated, and the functional significance of this variant is currently unknown. In summary, the available evidence is currently insufficient to determine the role of this variant in disease. Therefore, it has been classified as a Variant of Uncertain Significance.

NM_033026.6(PCLO):c.11008A>G (p.Lys3670Glu)

Gene: PCLO (piccolo presynaptic cytomatrix protein; minus strand). Cytogenetic location: 7q21.11.
Variant type: single nucleotide variant.
Coding change: c.11008A>G on transcript NM_033026.6 (MANE Select); coding-DNA position 11008, A replaced by G.
Protein change: p.Lys3670Glu; replaces lysine 3670 with glutamic acid.
Molecular consequence: missense variant.
Genome position (GRCh38, 1-based): chr7:82,949,580, T>C on the plus strand (A>G on the coding strand, the complement: PCLO is on the minus strand). VCF-style: chr7-82949580-T-C. GRCh37 (hg19) VCF-style: chr7-82578896-T-C.
Other names: c.11008A>G, p.Lys3670Glu (NM_014510.3); short protein forms K3670E.
Identifiers: ClinVar variation 2843945 (VCV002843945.3), dbSNP rs2535671036, ClinGen allele CA367900697.